The following is an entry in ClinVar:

NM_006939.4(SOS2):c.2939G>A (p.Arg980Gln)

Gene: SOS2 (SOS Ras/Rho guanine nucleotide exchange factor 2; minus strand). Cytogenetic location: 14q21.3.
Variant type: single nucleotide variant.
Coding change: c.2939G>A on transcript NM_006939.4 (MANE Select); coding-DNA position 2939, G replaced by A.
Protein change: p.Arg980Gln; replaces arginine 980 with glutamine.
Molecular consequence: missense variant.
Genome position (GRCh38, 1-based): chr14:50,138,631, C>T on the plus strand (G>A on the coding strand, the complement: SOS2 is on the minus strand). VCF-style: chr14-50138631-C-T. GRCh37 (hg19) VCF-style: chr14-50605349-C-T.
Other names: short protein forms R980Q.
Identifiers: ClinVar variation 1374935 (VCV001374935.15), dbSNP rs2139550610, ClinGen allele CA389642215.
Genomic context (GRCh38, chr14:50,138,631, plus strand): 5'-TAACACGTTCTCTTCTAAAGATATGCAAAGAAAATATTTACCCTCATATCTGGTTCTATC[C>T]GTAAACAGTAAGGCTGATTCTGATACTGCTGAATTTCTCCAGTAATTTCAGCTACTTTCC-3'
Protein context (NP_008870.2, residues 970-990): QQYQNQPYCL[Arg980Gln]IEPDMRRFFE

ClinVar aggregate classification (germline): Uncertain significance. Review status: criteria provided, multiple submitters, no conflicts (2 of 4 stars). 5 submissions from 5 submitters: Uncertain significance (5). Last evaluated 2025-04-23.

Conditions:
Cardiovascular phenotype. Identifiers: MedGen CN230736.
Noonan syndrome 9 (NS9). Identifiers: Orphanet 648, MedGen C4225282, MONDO:0014691, OMIM 616559.

Allele frequency attached by ClinVar (database versions not stated): gnomAD exomes 0.00001.
gnomAD v4.1: 10 of 1,558,480 alleles (0.00064%); highest among the groups gnomAD compares: Non-Finnish European, 0.00087%; no homozygotes.

Submissions (5):

Ambry Genetics
Classification: Uncertain significance for Cardiovascular phenotype. Last evaluated: 2025-04-23. Review status: criteria provided, single submitter. Criteria: Ambry Variant Classification Scheme 2023. Collection method: clinical testing. Allele origin: germline.
Comment: The p.R980Q variant (also known as c.2939G>A), located in coding exon 18 of the SOS2 gene, results from a G to A substitution at nucleotide position 2939. The arginine at codon 980 is replaced by glutamine, an amino acid with highly similar properties. This amino acid position is conserved. In addition, this alteration is predicted to be tolerated by in silico analysis. Since supporting evidence is limited at this time, the clinical significance of this alteration remains unclear.

Women's Health and Genetics/Laboratory Corporation of America, LabCorp
Classification: Uncertain significance. Last evaluated: 2025-01-27. Review status: criteria provided, single submitter. Criteria: LabCorp Variant Classification Summary - May 2015. Collection method: clinical testing. Allele origin: germline.
Comment: Variant summary: SOS2 c.2939G>A (p.Arg980Gln) results in a conservative amino acid change located in the Ras guanine-nucleotide exchange factors catalytic domain (IPR001895) of the encoded protein sequence. Four of five in-silico tools predict a benign effect of the variant on protein function. The variant was absent in 217094 control chromosomes. The available data on variant occurrences in the general population are insufficient to allow any conclusion about variant significance. To our knowledge, no occurrence of c.2939G>A in individuals affected with Noonan Syndrome and no experimental evidence demonstrating its impact on protein function have been reported. ClinVar contains an entry for this variant (Variation ID: 1374935). Based on the evidence outlined above, the variant was classified as uncertain significance.

Blueprint Genetics
Classification: Uncertain significance. Last evaluated: 2024-07-04. Review status: criteria provided, single submitter. Criteria: ACMG Guidelines, 2015. Collection method: clinical testing. Allele origin: germline.

Labcorp Genetics (formerly Invitae), Labcorp
Classification: Uncertain significance for Noonan syndrome 9. Last evaluated: 2023-01-22. Review status: criteria provided, single submitter. Criteria: Invitae Variant Classification Sherloc (09022015). Collection method: clinical testing. Allele origin: germline.
Comment: In summary, the available evidence is currently insufficient to determine the role of this variant in disease. Therefore, it has been classified as a Variant of Uncertain Significance. Advanced modeling of protein sequence and biophysical properties (such as structural, functional, and spatial information, amino acid conservation, physicochemical variation, residue mobility, and thermodynamic stability) performed at Invitae indicates that this missense variant is expected to disrupt SOS2 protein function. ClinVar contains an entry for this variant (Variation ID: 1374935). This variant has not been reported in the literature in individuals affected with SOS2-related conditions. This variant is not present in population databases (gnomAD no frequency). This sequence change replaces arginine, which is basic and polar, with glutamine, which is neutral and polar, at codon 980 of the SOS2 protein (p.Arg980Gln).

Genome-Nilou Lab
Classification: Uncertain significance for Noonan syndrome 9. Review status: criteria provided, single submitter. Criteria: ACMG Guidelines, 2015. Collection method: clinical testing. Allele origin: germline.